The following is an entry in ClinVar:

ClinVar aggregate classification (germline): Likely benign (1 of 4 stars; one submission).

Allele frequency attached by ClinVar (database versions not stated): 1000 Genomes Project 0.00020; gnomAD exomes 0.00021; gnomAD 0.00024; TOPMed 0.00027.
gnomAD v4.1: 94 of 398,036 alleles (0.024%); highest among the groups gnomAD compares: Admixed American, 0.066%; no homozygotes.

Submission:

CeGaT Center for Human Genetics Tuebingen
Classification: Likely benign. Last evaluated: 2024-05-01. Review status: criteria provided, single submitter. Criteria: CeGaT Center For Human Genetics Tuebingen Variant Classification Criteria Version 2. Collection method: clinical testing. Allele origin: germline. Affected: yes. Observed: 3 variant alleles.
Comment: KCNQ1OT1: BS1

NM_000218.3(KCNQ1):c.1393+23645C>G

Genes: KCNQ1 (potassium voltage-gated channel subfamily Q member 1; plus strand), KCNQ1OT1 (KCNQ1 opposite strand/antisense transcript 1; minus strand). Cytogenetic location: 11p15.5.
Variant type: single nucleotide variant.
Coding change: c.1393+23645C>G on transcript NM_000218.3 (MANE Select); 23645 bases into the intron after coding-DNA position 1393, C replaced by G.
Molecular consequence: intron variant. On other transcripts: non-coding transcript variant (1).
Genome position (GRCh38, 1-based): chr11:2,612,499, C>G. VCF-style: chr11-2612499-C-G. GRCh37 (hg19) VCF-style: chr11-2633729-C-G.
Other names: c.1123+23645C>G (NM_001406837.1); c.1297+23645C>G (NM_001406836.1); c.853+23645C>G (NM_001406838.1); c.1012+23645C>G (NM_181798.2).
Identifiers: ClinVar variation 3026400 (VCV003026400.22), dbSNP rs190260991, ClinGen allele CA216357657.